The following is an entry in ClinVar:

ClinVar aggregate classification (germline): Uncertain significance. Review status: criteria provided, multiple submitters, no conflicts (2 of 4 stars). 3 submissions from 3 submitters: Uncertain significance (3). Last evaluated 2022-03-10.

Conditions:
Familial thoracic aortic aneurysm and aortic dissection (TAAD). Also called: Thoracic aortic aneurysms and dissections. Identifiers: Orphanet 91387, MedGen C4707243, MONDO:0019625.
Ehlers-Danlos syndrome (EDS). Identifiers: Orphanet 98249, MedGen C0013720, MONDO:0020066.
Loeys-Dietz syndrome 1 (LDS1). Also called: FURLONG SYNDROME; TGFBR1-Related Loeys-Dietz Syndrome; AORTIC ANEURYSM, FAMILIAL THORACIC 5. Identifiers: Orphanet 60030, MedGen C4551955, MONDO:0012212, OMIM 609192.
Multiple self-healing squamous epithelioma (MSSE). Also called: MULTIPLE SELF-HEALING SQUAMOUS EPITHELIOMA, SUSCEPTIBILITY TO. Identifiers: Orphanet 65748, MedGen C0546476, MONDO:0007566, OMIM 132800.

Submissions (3):

Genome Diagnostics Laboratory, The Hospital for Sick Children
Classification: Uncertain significance for Ehlers-Danlos syndrome. Last evaluated: 2022-03-10. Review status: criteria provided, single submitter. Criteria: ACMG Guidelines, 2015. Collection method: clinical testing. Allele origin: germline.

Fulgent Genetics
Classification: Uncertain significance for Multiple self-healing squamous epithelioma; Loeys-Dietz syndrome 1. Last evaluated: 2021-07-20. Review status: criteria provided, single submitter. Criteria: ACMG Guidelines, 2015. Collection method: clinical testing. Allele origin: unknown.

Labcorp Genetics (formerly Invitae), Labcorp
Classification: Uncertain significance for Familial thoracic aortic aneurysm and aortic dissection. Last evaluated: 2021-05-25. Review status: criteria provided, single submitter. Criteria: Invitae Variant Classification Sherloc (09022015). Collection method: clinical testing. Allele origin: germline.
Comment: In summary, the available evidence is currently insufficient to determine the role of this variant in disease. Therefore, it has been classified as a Variant of Uncertain Significance. Advanced modeling of protein sequence and biophysical properties (such as structural, functional, and spatial information, amino acid conservation, physicochemical variation, residue mobility, and thermodynamic stability) performed at Invitae indicates that this missense variant is not expected to disrupt TGFBR1 protein function. This variant has not been reported in the literature in individuals with TGFBR1-related conditions. The frequency data for this variant in the population databases is considered unreliable, as metrics indicate insufficient coverage at this position in the ExAC database. This sequence change replaces leucine with proline at codon 14 of the TGFBR1 protein (p.Leu14Pro). The leucine residue is weakly conserved and there is a moderate physicochemical difference between leucine and proline.

NM_004612.4(TGFBR1):c.41T>C (p.Leu14Pro)

Gene: TGFBR1 (transforming growth factor beta receptor 1; plus strand). Cytogenetic location: 9q22.33.
Variant type: single nucleotide variant.
Coding change: c.41T>C on transcript NM_004612.4 (MANE Select); coding-DNA position 41, T replaced by C.
Protein change: p.Leu14Pro; replaces leucine 14 with proline.
Molecular consequence: missense variant.
Genome position (GRCh38, 1-based): chr9:99,105,246, T>C. VCF-style: chr9-99105246-T-C. GRCh37 (hg19) VCF-style: chr9-101867528-T-C.
Other names: c.41T>C, p.Leu14Pro (NM_001130916.3, NM_001306210.2); short protein forms L14P.
Identifiers: ClinVar variation 1356148 (VCV001356148.12), dbSNP rs1826371375, ClinGen allele CA374223565.